The following is an entry in ClinVar:

NM_002354.3(EPCAM):c.443T>G (p.Leu148Arg)

Gene: EPCAM (epithelial cell adhesion molecule; plus strand). Cytogenetic location: 2p21.
Variant type: single nucleotide variant.
Coding change: c.443T>G on transcript NM_002354.3 (MANE Select); coding-DNA position 443, T replaced by G.
Protein change: p.Leu148Arg; replaces leucine 148 with arginine.
Molecular consequence: missense variant.
Genome position (GRCh38, 1-based): chr2:47,375,251, T>G. VCF-style: chr2-47375251-T-G. GRCh37 (hg19) VCF-style: chr2-47602390-T-G.
Other names: short protein forms L148R.
Identifiers: ClinVar variation 1740621 (VCV001740621.2), dbSNP rs2465460591, ClinGen allele CA346723565.
Genomic context (GRCh38, chr2:47,375,251, plus strand): 5'-AGACTGAGTTATAGTCAACTGACATTGTCTTTTTACTTTATAGCTGGATCATCATTGAAC[T>G]AAAACACAAAGCAAGAGAAAAACCTTATGATAGTAAAAGTTTGCGGACGTAAGTGCAATT-3'
Protein context (NP_002345.2, residues 138-158): RVRTYWIIIE[Leu148Arg]KHKAREKPYD

ClinVar aggregate classification (germline): Uncertain significance (1 of 4 stars; one submission).

Conditions:
Hereditary cancer-predisposing syndrome. Also called: Hereditary Cancer Syndrome; Hereditary neoplastic syndrome; Neoplastic Syndromes, Hereditary; Tumor predisposition. Identifiers: Orphanet 140162, MedGen C0027672, MeSH D009386, MONDO:0015356.

Submission:

Ambry Genetics
Classification: Uncertain significance for Hereditary cancer-predisposing syndrome. Last evaluated: 2022-05-27. Review status: criteria provided, single submitter. Criteria: Ambry Variant Classification Scheme 2023. Collection method: clinical testing. Allele origin: germline.
Comment: The p.L148R variant (also known as c.443T>G), located in coding exon 4 of the EPCAM gene, results from a T to G substitution at nucleotide position 443. The leucine at codon 148 is replaced by arginine, an amino acid with dissimilar properties. This amino acid position is conserved. In addition, the in silico prediction for this alteration is inconclusive. Since supporting evidence is limited at this time, the clinical significance of this alteration remains unclear.